The following is an entry in ClinVar:

NM_030632.3(ASXL3):c.2672A>C (p.Asp891Ala)

Gene: ASXL3 (ASXL transcriptional regulator 3; plus strand). Cytogenetic location: 18q12.1.
Variant type: single nucleotide variant.
Coding change: c.2672A>C on transcript NM_030632.3 (MANE Select); coding-DNA position 2672, A replaced by C.
Protein change: p.Asp891Ala; replaces aspartic acid 891 with alanine.
Molecular consequence: missense variant.
Genome position (GRCh38, 1-based): chr18:33,740,076, A>C. VCF-style: chr18-33740076-A-C. GRCh37 (hg19) VCF-style: chr18-31320040-A-C.
Other names: short protein forms D891A.
Identifiers: ClinVar variation 5002432 (VCV005002432.1).
Genomic context (GRCh38, chr18:33,740,076, plus strand): 5'-GAACAGAAAAAAAAGTGTTACCTTCACCATTGGAATTATCTGTCTTTTCTGAAGGGACAG[A>C]TAATAAGGGAAATGAGCTTCCATCTGCTAAATTACAGGACAAGCAATATATCTCATCAGT-3'
Protein context (NP_085135.1, residues 881-901): LELSVFSEGT[Asp891Ala]NKGNELPSAK

ClinVar aggregate classification (germline): Uncertain significance (1 of 4 stars; one submission).

Conditions:
ASXL3-related disorder. Also called: ASXL3-related condition. Identifiers: MedGen CN381524.

gnomAD v4.1: 1 of 1,613,992 alleles (0.000062%); no homozygotes.

Submission:

PreventionGenetics, part of Exact Sciences
Classification: Uncertain significance for ASXL3-related condition. Last evaluated: 2026-09-15. Review status: criteria provided, single submitter. Criteria: ACMG Guidelines, 2015. Collection method: clinical testing. Allele origin: germline.
Comment: The ASXL3 c.2672A>C variant is predicted to result in the amino acid substitution p.Asp891Ala. To our knowledge, this variant has not been reported in the literature or in a large population database (gnomAD), indicating this variant is rare. At this time, the clinical significance of this variant is uncertain due to the absence of conclusive functional and genetic evidence.